The following is an entry in ClinVar:

NM_001048174.2(MUTYH):c.1483C>G (p.Arg495Gly)

Gene: MUTYH (mutY DNA glycosylase; minus strand). Cytogenetic location: 1p34.1.
Variant type: single nucleotide variant.
Coding change: c.1483C>G on transcript NM_001048174.2 (MANE Select); coding-DNA position 1483, C replaced by G.
Protein change: p.Arg495Gly; replaces arginine 495 with glycine.
Molecular consequence: missense variant. On other transcripts: non-coding transcript variant (7).
Genome position (GRCh38, 1-based): chr1:45,329,389, G>C on the plus strand (C>G on the coding strand, the complement: MUTYH is on the minus strand). VCF-style: chr1-45329389-G-C. GRCh37 (hg19) VCF-style: chr1-45795061-G-C.
Other names: c.1138C>G, p.Arg380Gly (NM_001350650.2, NM_001350651.2, NM_001407082.1); c.1516C>G, p.Arg506Gly (NM_001407069.1, NM_001407077.1, NM_001293191.2); c.1483C>G, p.Arg495Gly (NM_001407070.1, NM_001407072.1, NM_001407073.1 and 6 more transcripts); c.1486C>G, p.Arg496Gly (NM_001407071.1, NM_001407078.1, NM_001048172.2 and 1 more transcripts); c.1399C>G, p.Arg467Gly (NM_001407075.1); c.1567C>G, p.Arg523Gly (NM_001128425.2); c.1528C>G, p.Arg510Gly (NM_001293190.2); c.1207C>G, p.Arg403Gly (NM_001293192.2, NM_001293196.2, NM_001407091.1); and 5 more; short protein forms R380G, R481G, R496G, R523G, R467G, R495G, R502G, R506G.
Identifiers: ClinVar variation 2853563 (VCV002853563.4), dbSNP rs147480076, ClinGen allele CA340131770.
Genomic context (GRCh38, chr1:45,329,389, plus strand): 5'-TGTGTGCATCAGTGGAGATGTGAGACCGAAAGAAATTATCCAGGACTTGCTGGCCCATGC[G>C]GGGCTTTTTCCGACTGCACGGAGAGGACACCTGGGACCTTTTGGAACCCTGTGAAAAAAT-3'
Protein context (NP_001041639.1, residues 485-505): VSSPCSRKKP[Arg495Gly]MGQQVLDNFF

ClinVar aggregate classification (germline): Conflicting classifications of pathogenicity. Review status: criteria provided, conflicting classifications (1 of 4 stars). 2 submissions from 2 submitters: Uncertain significance (1); Likely benign (1). Last evaluated 2025-01-17.

Conditions:
Familial adenomatous polyposis 2. Also called: COLORECTAL ADENOMATOUS POLYPOSIS, AUTOSOMAL RECESSIVE; ADENOMAS, MULTIPLE COLORECTAL, AUTOSOMAL RECESSIVE; MUTYH-related attenuated familial adenomatous polyposis; MUTYH-associated polyposis; MYH-associated polyposis; MUTYH Polyposis. Identifiers: Orphanet 220460, Orphanet 247798, MedGen C3272841, MONDO:0012041, OMIM 608456.
Hereditary cancer-predisposing syndrome. Also called: Tumor predisposition; Hereditary neoplastic syndrome; Hereditary Cancer Syndrome; Neoplastic Syndromes, Hereditary. Identifiers: Orphanet 140162, MedGen C0027672, MeSH D009386, MONDO:0015356.

Submissions (2):

Ambry Genetics
Classification: Likely benign for Hereditary cancer-predisposing syndrome. Last evaluated: 2025-01-17. Review status: criteria provided, single submitter. Criteria: Ambry Variant Classification Scheme 2023. Collection method: clinical testing. Allele origin: germline.

Labcorp Genetics (formerly Invitae), Labcorp
Classification: Uncertain significance for Familial adenomatous polyposis 2. Last evaluated: 2024-01-16. Review status: criteria provided, single submitter. Criteria: Invitae Variant Classification Sherloc (09022015). Collection method: clinical testing. Allele origin: germline.
Comment: This sequence change replaces arginine, which is basic and polar, with glycine, which is neutral and non-polar, at codon 523 of the MUTYH protein (p.Arg523Gly). This variant is not present in population databases (gnomAD no frequency). This variant has not been reported in the literature in individuals affected with MUTYH-related conditions. An algorithm developed to predict the effect of missense changes on protein structure and function (PolyPhen-2) suggests that this variant is likely to be tolerated. In summary, the available evidence is currently insufficient to determine the role of this variant in disease. Therefore, it has been classified as a Variant of Uncertain Significance.